The following is an entry in ClinVar:

NM_001378457.1(DMXL2):c.6007G>A (p.Ala2003Thr)

Gene: DMXL2 (Dmx like 2; minus strand). Cytogenetic location: 15q21.2.
Variant type: single nucleotide variant.
Coding change: c.6007G>A on transcript NM_001378457.1 (MANE Select); coding-DNA position 6007, G replaced by A.
Protein change: p.Ala2003Thr; replaces alanine 2003 with threonine.
Molecular consequence: missense variant. On other transcripts: non-coding transcript variant (2).
Genome position (GRCh38, 1-based): chr15:51,481,099, C>T on the plus strand (G>A on the coding strand, the complement: DMXL2 is on the minus strand). VCF-style: chr15-51481099-C-T. GRCh37 (hg19) VCF-style: chr15-51773296-C-T.
Other names: c.6007G>A (NM_001174116.1); c.6007G>A, p.Ala2003Thr (NM_001174116.3, NM_001378458.1, NM_001378459.1 and 4 more transcripts); c.4099G>A, p.Ala1367Thr (NM_001174117.3); c.3988G>A, p.Ala1330Thr (NM_001378460.1); c.5767G>A, p.Ala1923Thr (NM_001378464.1); short protein forms A2003T, A1330T, A1367T, A1923T.
Identifiers: ClinVar variation 1922768 (VCV001922768.3), dbSNP rs767526573, ClinGen allele CA7561700.

ClinVar aggregate classification (germline): Uncertain significance. Review status: criteria provided, multiple submitters, no conflicts (2 of 4 stars). 2 submissions from 2 submitters: Uncertain significance (2). Last evaluated 2025-11-11.

Conditions:
Inborn genetic diseases. Identifiers: MedGen C0950123, MeSH D030342.

Allele frequency attached by ClinVar (database versions not stated): ExAC 0.00001; gnomAD 0.00003; TOPMed 0.00004; gnomAD exomes 0.00001.
gnomAD v4.1: 16 of 1,613,094 alleles (0.00099%); highest among the groups gnomAD compares: African/African-American, 0.004%; no homozygotes.

Submissions (2):

Ambry Genetics
Classification: Uncertain significance for Inborn genetic diseases. Last evaluated: 2025-11-11. Review status: criteria provided, single submitter. Criteria: Ambry Variant Classification Scheme 2023. Collection method: clinical testing. Allele origin: germline.

Labcorp Genetics (formerly Invitae), Labcorp
Classification: Uncertain significance. Last evaluated: 2022-08-19. Review status: criteria provided, single submitter. Criteria: Invitae Variant Classification Sherloc (09022015). Collection method: clinical testing. Allele origin: germline.
Comment: This sequence change replaces alanine, which is neutral and non-polar, with threonine, which is neutral and polar, at codon 2003 of the DMXL2 protein (p.Ala2003Thr). This variant is present in population databases (rs767526573, gnomAD 0.0009%). This variant has not been reported in the literature in individuals affected with DMXL2-related conditions. Algorithms developed to predict the effect of missense changes on protein structure and function output the following: SIFT: "Tolerated"; PolyPhen-2: "Benign"; Align-GVGD: "Class C0". The threonine amino acid residue is found in multiple mammalian species, which suggests that this missense change does not adversely affect protein function. In summary, the available evidence is currently insufficient to determine the role of this variant in disease. Therefore, it has been classified as a Variant of Uncertain Significance.